The following is an entry in ClinVar:

ClinVar aggregate classification (germline): Uncertain significance (1 of 4 stars; one submission).

Submission:

GeneDx
Classification: Uncertain significance. Last evaluated: 2024-03-13. Review status: criteria provided, single submitter. Criteria: GeneDx Variant Classification Process June 2021. Collection method: clinical testing. Allele origin: germline. Affected: yes.
Comment: Not observed at significant frequency in large population cohorts (gnomAD); In silico analysis supports that this missense variant has a deleterious effect on protein structure/function; Reported in an individual with autism-spectrum disorder for whom detailed clinical information was not available (PMID: 35982160); This variant is associated with the following publications: (PMID: 35982160)

NM_001127222.2(CACNA1A):c.227G>A (p.Arg76Gln)

Gene: CACNA1A (calcium voltage-gated channel subunit alpha1 A; minus strand). Cytogenetic location: 19p13.13.
Variant type: single nucleotide variant.
Coding change: c.227G>A on transcript NM_001127222.2 (MANE Select); coding-DNA position 227, G replaced by A.
Protein change: p.Arg76Gln; replaces arginine 76 with glutamine.
Molecular consequence: missense variant.
Genome position (GRCh38, 1-based): chr19:13,505,998, C>T on the plus strand (G>A on the coding strand, the complement: CACNA1A is on the minus strand). VCF-style: chr19-13505998-C-T. GRCh37 (hg19) VCF-style: chr19-13616812-C-T.
Other names: c.227G>A, p.Arg76Gln (NM_000068.4, NM_001127221.2, NM_001174080.2 and 1 more transcripts); short protein forms R76Q.
Identifiers: ClinVar variation 3373669 (VCV003373669.1).
Genomic context (GRCh38, chr19:13,505,998, plus strand): 5'-TCGGTGATCTTTTTGGCGTATTTTCTCACCACGTTGTCTTCGCTGAAGAGGAAGAGAGAC[C>T]GGTTAACCGTGAGGCAGTTCTGTCGGACGGGGATGGGGTTGTAGAGTGCCATGGTCCGCG-3'
Protein context (NP_001120694.1, residues 66-86): PVRQNCLTVN[Arg76Gln]SLFLFSEDNV